The following is an entry in ClinVar:

NM_001042475.3(CEP85L):c.232+1G>A

Gene: CEP85L (centrosomal protein 85L; minus strand). Cytogenetic location: 6q22.31.
Variant type: single nucleotide variant.
Coding change: c.232+1G>A on transcript NM_001042475.3 (MANE Select); the canonical splice donor site of the intron after coding-DNA position 232, G replaced by A.
Molecular consequence: splice donor variant.
Genome position (GRCh38, 1-based): chr6:118,632,452, C>T on the plus strand (G>A on the coding strand, the complement: CEP85L is on the minus strand). VCF-style: chr6-118632452-C-T. GRCh37 (hg19) VCF-style: chr6-118953615-C-T.
Other names: c.241+1G>A (NM_001178035.2); c.232+1G>A (NM_206921.3).
Identifiers: ClinVar variation 3365869 (VCV003365869.2).

ClinVar aggregate classification (germline): Pathogenic (1 of 4 stars; one submission).

Submission:

GeneDx
Classification: Pathogenic. Last evaluated: 2025-07-11. Review status: criteria provided, single submitter. Criteria: GeneDx Variant Classification Process June 2021. Collection method: clinical testing. Allele origin: germline.
Comment: De novo variant with confirmed parentage in a patient in published literature from a cohort of individuals with developmental disorders; however, detailed clinical information was not provided, and the patient harbored additional de novo variants (PMID: 33057194); Canonical splice site variant in a gene or region of a gene for which loss of function is not a well-established mechanism of disease; Not observed at significant frequency in large population cohorts (gnomAD); This variant is associated with the following publications: (PMID: 35982159, 33057194)